The following is an entry in ClinVar:

NM_001999.4(FBN2):c.6293-308C>T

Gene: FBN2 (fibrillin 2; minus strand). Cytogenetic location: 5q23.3.
Variant type: single nucleotide variant.
Coding change: c.6293-308C>T on transcript NM_001999.4 (MANE Select); 308 bases into the intron before coding-DNA position 6293, C replaced by T.
Molecular consequence: intron variant.
Genome position (GRCh38, 1-based): chr5:128,291,192, G>A on the plus strand (C>T on the coding strand, the complement: FBN2 is on the minus strand). VCF-style: chr5-128291192-G-A. GRCh37 (hg19) VCF-style: chr5-127626884-G-A.
Identifiers: ClinVar variation 683872 (VCV000683872.1), dbSNP rs11241955, ClinGen allele CA16241704.

ClinVar aggregate classification (germline): Benign (1 of 4 stars; one submission).

Allele frequency attached by ClinVar (database versions not stated): 1000 Genomes Project 30x 0.15615; 1000 Genomes Project 0.15895; TOPMed 0.21328; gnomAD 0.23110 and 0.23217.
gnomAD v4.1: 35,247 of 151,858 alleles (23%); highest among the groups gnomAD compares: Middle Eastern, 43%; 5,052 homozygotes.

Submission:

GeneDx
Classification: Benign. Last evaluated: 2018-06-19. Review status: criteria provided, single submitter. Criteria: GeneDx Variant Classification (06012015). Collection method: clinical testing. Allele origin: germline. Affected: yes.
Comment: This variant is considered likely benign or benign based on one or more of the following criteria: it is a conservative change, it occurs at a poorly conserved position in the protein, it is predicted to be benign by multiple in silico algorithms, and/or has population frequency not consistent with disease.